The following is an entry in ClinVar:

NM_080424.4(SP110):c.1324T>C (p.Phe442Leu)

Gene: SP110 (SP110 nuclear body protein; minus strand). Cytogenetic location: 2q37.1.
Variant type: single nucleotide variant.
Coding change: c.1324T>C on transcript NM_080424.4 (MANE Select); coding-DNA position 1324, T replaced by C.
Protein change: p.Phe442Leu; replaces phenylalanine 442 with leucine.
Molecular consequence: missense variant.
Genome position (GRCh38, 1-based): chr2:230,183,596, A>G on the plus strand (T>C on the coding strand, the complement: SP110 is on the minus strand). VCF-style: chr2-230183596-A-G. GRCh37 (hg19) VCF-style: chr2-231048312-A-G.
Other names: c.1342T>C, p.Phe448Leu (NM_001185015.2, NM_001378442.1, NM_001378444.1 and 2 more transcripts); c.1324T>C, p.Phe442Leu (NM_001378443.1, NM_004509.5, NM_004510.4); c.1174T>C, p.Phe392Leu (NM_001378447.1); short protein forms F442L, F448L, F392L.
Identifiers: ClinVar variation 712389 (VCV000712389.13), dbSNP rs115380913, ClinGen allele CA2154546.
Genomic context (GRCh38, chr2:230,183,596, plus strand): 5'-AGCCCAGTGGGGAGGCGCTGTGGCTTGCTTGCTTACCTCTTCGGTGAATATTTTTCTGAA[A>G]TCTCCTTTTTGAGCTTGAACAGATATCTTTCTCCTTTTTCTTTTCTAAACACAGAATTAA-3'
Protein context (NP_536349.3, residues 432-452): KDICSSSKRR[Phe442Leu]QKNIHRRGKP

ClinVar aggregate classification (germline): Likely benign. Review status: criteria provided, multiple submitters, no conflicts (2 of 4 stars). 2 submissions from 2 submitters: Likely benign (2). Last evaluated 2026-01-31.

Conditions:
Hepatic veno-occlusive disease-immunodeficiency syndrome. Also called: Hepatic Veno-Occlusive Disease with Immunodeficiency. Identifiers: Orphanet 79124, MedGen C1856128, MONDO:0009338, OMIM 235550. Disease mechanism: loss of function.

Allele frequency attached by ClinVar (database versions not stated): gnomAD 0.00020 and 0.00033; TOPMed 0.00030; gnomAD exomes 0.00047; ExAC 0.00061; 1000 Genomes Project 30x 0.00203; 1000 Genomes Project 0.00220.
gnomAD v4.1: 405 of 1,610,072 alleles (0.025%); highest among the groups gnomAD compares: East Asian, 0.83%; 2 homozygotes.

Submissions (2):

Labcorp Genetics (formerly Invitae), Labcorp
Classification: Likely benign for Hepatic veno-occlusive disease-immunodeficiency syndrome. Last evaluated: 2026-01-31. Review status: criteria provided, single submitter. Criteria: Invitae Variant Classification Sherloc (09022015). Collection method: clinical testing. Allele origin: germline.

Illumina Laboratory Services, Illumina
Classification: Likely benign for Hepatic veno-occlusive disease-immunodeficiency syndrome. Last evaluated: 2018-01-13. Review status: criteria provided, single submitter. Criteria: ICSL Variant Classification Criteria 13 December 2019. Collection method: clinical testing. Allele origin: germline.
Comment: This variant was observed in the ICSL laboratory as part of a predisposition screen in an ostensibly healthy population. It had not been previously curated by ICSL or reported in the Human Gene Mutation Database (HGMD: prior to June 1st, 2018), and was therefore a candidate for classification through an automated scoring system. Utilizing variant allele frequency, disease prevalence and penetrance estimates, and inheritance mode, an automated score was calculated to assess if this variant is too frequent to cause the disease. Based on the score and internal cut-off values, a variant classified as likely benign is not then subjected to further curation. The score for this variant resulted in a classification of likely benign for this disease.